The following is an entry in ClinVar:

NM_174916.3(UBR1):c.3789A>G (p.Gln1263=)

Gene: UBR1 (ubiquitin protein ligase E3 component n-recognin 1; minus strand). Cytogenetic location: 15q15.2.
Variant type: single nucleotide variant.
Coding change: c.3789A>G on transcript NM_174916.3 (MANE Select); coding-DNA position 3789, A replaced by G.
Protein change: p.Gln1263=; no amino-acid change (glutamine 1263 retained).
Molecular consequence: synonymous variant.
Genome position (GRCh38, 1-based): chr15:42,990,089, T>C on the plus strand (A>G on the coding strand, the complement: UBR1 is on the minus strand). VCF-style: chr15-42990089-T-C. GRCh37 (hg19) VCF-style: chr15-43282287-T-C.
Identifiers: ClinVar variation 1523634 (VCV001523634.1), dbSNP rs1290986170, ClinGen allele CA489905952.

ClinVar aggregate classification (germline): Uncertain significance (1 of 4 stars; one submission).

Allele frequency attached by ClinVar (database versions not stated): TOPMed below 0.00001; gnomAD 0.00001.
gnomAD v4.1: 1 of 1,605,306 alleles (0.000062%); highest among the groups gnomAD compares: Admixed American, 0.0017%; no homozygotes.

Submission:

Labcorp Genetics (formerly Invitae), Labcorp
Classification: Uncertain significance. Last evaluated: 2021-08-31. Review status: criteria provided, single submitter. Criteria: Invitae Variant Classification Sherloc (09022015). Collection method: clinical testing. Allele origin: germline.
Comment: This sequence change affects codon 1263 of the UBR1 mRNA. It is a 'silent' change, meaning that it does not change the encoded amino acid sequence of the UBR1 protein. This variant is not present in population databases (ExAC no frequency). This variant has not been reported in the literature in individuals affected with UBR1-related conditions. Algorithms developed to predict the effect of sequence changes on RNA splicing suggest that this variant may create or strengthen a splice site. In summary, the available evidence is currently insufficient to determine the role of this variant in disease. Therefore, it has been classified as a Variant of Uncertain Significance.